The following is an entry in ClinVar:

NM_017636.4(TRPM4):c.-3A>T

Gene: TRPM4 (transient receptor potential cation channel subfamily M member 4; plus strand). Cytogenetic location: 19q13.33.
Variant type: single nucleotide variant.
Coding change: c.-3A>T on transcript NM_017636.4 (MANE Select); 3 bases upstream of the start codon, A replaced by T.
Molecular consequence: 5 prime UTR variant.
Genome position (GRCh38, 1-based): chr19:49,157,864, A>T. VCF-style: chr19-49157864-A-T. GRCh37 (hg19) VCF-style: chr19-49661121-A-T.
Other names: c.-3A>T (NM_001195227.2, NM_001321281.2); c.-1375A>T (NM_001321282.2); c.-169A>T (NM_001321283.2); c.-332A>T (NM_001321285.2).
Identifiers: ClinVar variation 3361721 (VCV003361721.1).

ClinVar aggregate classification (germline): Uncertain significance (1 of 4 stars; one submission).

gnomAD v4.1: 27 of 1,534,512 alleles (0.0018%); highest among the groups gnomAD compares: African/African-American, 0.0041%; no homozygotes.

Submission:

GeneDx
Classification: Uncertain significance. Last evaluated: 2023-07-26. Review status: criteria provided, single submitter. Criteria: GeneDx Variant Classification Process June 2021. Collection method: clinical testing. Allele origin: germline. Affected: yes.
Comment: Alters the Kozak sequence, the conserved nucleotides just upstream of the ATG start codon, which play a major role in the initiation of translation; Not observed at significant frequency in large population cohorts (gnomAD); Nucleotide substitution has no predicted effect on splicing and is not conserved across species; Has not been previously published as pathogenic or benign to our knowledge